The following is an entry in ClinVar:

ClinVar aggregate classification (germline): Uncertain significance. Review status: criteria provided, multiple submitters, no conflicts (2 of 4 stars). 3 submissions from 3 submitters: Uncertain significance (3). Last evaluated 2025-06-11.

Conditions:
TJP2-related disorder. Also called: TJP2-related condition.
Cholestasis, progressive familial intrahepatic, 4. Identifiers: Orphanet 480483, Orphanet 79304, MedGen C2931067, MONDO:0014381, OMIM 615878.

Submissions (3):

PreventionGenetics, part of Exact Sciences
Classification: Uncertain significance for TJP2-related condition. Last evaluated: 2025-06-11. Review status: criteria provided, single submitter. Criteria: ACMG Guidelines, 2015. Collection method: clinical testing. Allele origin: germline.
Comment: The TJP2 c.3493_3495delGAG variant is predicted to result in an in-frame deletion (p.Glu1165del). To our knowledge, this variant has not been reported in the literature. This variant is reported in 0.00088% of alleles in individuals of European (Non-Finnish) descent in gnomAD. At this time, the clinical significance of this variant is uncertain due to the absence of conclusive functional and genetic evidence.

Blueprint Genetics
Classification: Uncertain significance. Last evaluated: 2022-06-15. Review status: criteria provided, single submitter. Criteria: ACMG Guidelines, 2015. Collection method: clinical testing. Allele origin: germline.

Breda Genetics srl
Classification: Uncertain significance for Cholestasis, progressive familial intrahepatic, 4. Last evaluated: 2021-05-18. Review status: criteria provided, single submitter. Criteria: ACMG Guidelines, 2015. Collection method: clinical testing. Allele origin: germline. Inheritance: Autosomal recessive inheritance. Affected: yes. Observed: 1 variant allele, 1 heterozygote.
Comment: Based on allele frequency, in-silico prediction scores and a certain overlap with the clinical phenotype, we interpreted this variant at least as of uncertain significance. The lack of one or more of the following features has discouraged further investigations: lack of a possible second hit in autosomal recessive conditions, presence of healthy controls in databases for autosomal dominant conditions, presence of unmatching cardinal clinical features in the patient or in the known gene-disease association, and/or variant type outside the known gene mutational spectrum.

NM_004817.4(TJP2):c.3484GAG[3] (p.Glu1165del)

Gene: TJP2 (tight junction protein 2; plus strand). Cytogenetic location: 9q21.11.
Variant type: Microsatellite.
Coding change: c.3484GAG[3] on transcript NM_004817.4 (MANE Select); three copies in a row of the 3-base unit GAG starting at c.3484; the reference has four copies in a row; one copy, 3 bases deleted; also written c.3493_3495del.
Protein change: p.Glu1165del; deletes glutamic acid 1165.
Molecular consequence: inframe deletion.
Genome position (GRCh38, 1-based): chr9:69,254,294-69,254,296, GAG deleted; deleting any 3 consecutive bases within chr9:69,254,285-69,254,296 gives the same sequence; the position shown is the placement nearest the transcript's 3' end. VCF-style (leftmost placement, unchanged base first): chr9-69254284-CGAG-C. GRCh37 (hg19) VCF-style: chr9-71869200-CGAG-C.
Other names: c.3493_3495delGAG (NM_004817.3); c.2974GAG[3], p.Glu995del (NM_001170414.2); c.3385GAG[3], p.Glu1132del (NM_001170415.1); c.3577GAG[3], p.Glu1196del (NM_001170416.2); c.3409GAG[3], p.Glu1140del (NM_001369870.1); c.3415GAG[3], p.Glu1142del (NM_001369871.1); c.3373GAG[3], p.Glu1128del (NM_001369872.1); c.3160GAG[3], p.Glu1057del (NM_001369873.1); and 4 more; short protein forms E1018del, E1022del, E1057del, E1128del, E1132del, E1140del, E1142del, E1165del.
Identifiers: ClinVar variation 1299396 (VCV001299396.3), dbSNP rs746080083, ClinGen allele CA5073998.